The following is an entry in ClinVar:

NM_004629.2(FANCG):c.1785C>G (p.Ser595Arg)

Gene: FANCG (FA complementation group G; minus strand). Cytogenetic location: 9p13.3.
Variant type: single nucleotide variant.
Coding change: c.1785C>G on transcript NM_004629.2 (MANE Select); coding-DNA position 1785, C replaced by G.
Protein change: p.Ser595Arg; replaces serine 595 with arginine.
Molecular consequence: missense variant.
Genome position (GRCh38, 1-based): chr9:35,074,192, G>C on the plus strand (C>G on the coding strand, the complement: FANCG is on the minus strand). VCF-style: chr9-35074192-G-C. GRCh37 (hg19) VCF-style: chr9-35074189-G-C.
Other names: short protein forms S595R.
Identifiers: ClinVar variation 2731534 (VCV002731534.4), dbSNP rs949414610, ClinGen allele CA192691417.
Genomic context (GRCh38, chr9:35,074,192, plus strand): 5'-AGATGTCCGAAATTCTTCAAGGAAGGCGTCACGATCAGAGGGACGGATCCAGCTCAAATA[G>C]CTTTCTAGGTACAGGGGGAGAGACCTGGAGAGAAAGAAGGATGATGCCTAAGGGTGAAAG-3'
Protein context (NP_004620.1, residues 585-605): ALWSLPLYLE[Ser595Arg]YLSWIRPSDR

ClinVar aggregate classification (germline): Uncertain significance. Review status: criteria provided, multiple submitters, no conflicts (2 of 4 stars). 2 submissions from 2 submitters: Uncertain significance (2). Last evaluated 2026-10-01.

Conditions:
Fanconi anemia complementation group G. Also called: FANCG-Related Fanconi Anemia; Fanconi anemia group G. Identifiers: Orphanet 84, MedGen C3469527, MONDO:0013565, OMIM 614082.
Fanconi anemia (FA). Also called: Fanconi's anemia. Identifiers: Orphanet 84, MedGen C0015625, MeSH D005199, MONDO:0019391.

Submissions (2):

St. Jude Molecular Pathology, St. Jude Children's Research Hospital
Classification: Uncertain significance for Fanconi anemia complementation group G. Last evaluated: 2026-10-01. Review status: criteria provided, single submitter. Criteria: St. Jude Assertion Criteria 2020. Collection method: clinical testing. Allele origin: germline.
Comment: The FANCG c.1785C>G p.(Ser595Arg) missense change is absent in gnomAD v2.1.1. Th e in silico tool REVEL predicts a benign effect on protein function, but to our knowledge this prediction has not been confirmed by functional studies. To our knowledge, this variant has not been reported in individuals with Fanconi anemia. In summary, t he evidence currently available is insufficient to determine the clinical significance of this variant. It has therefore been classified as of uncertain significance.

Labcorp Genetics (formerly Invitae), Labcorp
Classification: Uncertain significance for Fanconi anemia. Last evaluated: 2023-05-09. Review status: criteria provided, single submitter. Criteria: Invitae Variant Classification Sherloc (09022015). Collection method: clinical testing. Allele origin: germline.
Comment: This sequence change replaces serine, which is neutral and polar, with arginine, which is basic and polar, at codon 595 of the FANCG protein (p.Ser595Arg). This variant is not present in population databases (gnomAD no frequency). This variant has not been reported in the literature in individuals affected with FANCG-related conditions. Advanced modeling of protein sequence and biophysical properties (such as structural, functional, and spatial information, amino acid conservation, physicochemical variation, residue mobility, and thermodynamic stability) performed at Invitae indicates that this missense variant is not expected to disrupt FANCG protein function. In summary, the available evidence is currently insufficient to determine the role of this variant in disease. Therefore, it has been classified as a Variant of Uncertain Significance.